The following is an entry in ClinVar:

NM_000138.5(FBN1):c.3223C>A (p.Arg1075Ser)

Gene: FBN1 (fibrillin 1; minus strand). Cytogenetic location: 15q21.1.
Variant type: single nucleotide variant.
Coding change: c.3223C>A on transcript NM_000138.5 (MANE Select); coding-DNA position 3223, C replaced by A.
Protein change: p.Arg1075Ser; replaces arginine 1075 with serine.
Molecular consequence: missense variant.
Genome position (GRCh38, 1-based): chr15:48,488,227, G>T on the plus strand (C>A on the coding strand, the complement: FBN1 is on the minus strand). VCF-style: chr15-48488227-G-T. GRCh37 (hg19) VCF-style: chr15-48780424-G-T.
Other names: c.3223C>A, p.Arg1075Ser (NM_001406716.1); short protein forms R1075S.
Identifiers: ClinVar variation 3074010 (VCV003074010.1), dbSNP rs186805359, ClinGen allele CA392327690.

ClinVar aggregate classification (germline): Uncertain significance (1 of 4 stars; one submission).

Conditions:
Marfan syndrome (MFS). Also called: MARFAN SYNDROME, TYPE I; Marfan syndrome type 1; Marfan's syndrome; Marfan syndrome, classic; FBN1-Related Marfan Syndrome. Identifiers: Orphanet 284963, Orphanet 558, MedGen C0024796, MONDO:0007947, OMIM 154700.

Submission:

All of Us Research Program, National Institutes of Health
Classification: Uncertain significance for Marfan syndrome. Last evaluated: 2023-11-30. Review status: criteria provided, single submitter. Criteria: ACMG Guidelines, 2015. Collection method: clinical testing. Allele origin: germline. Inheritance: Autosomal dominant inheritance. Observed: 1 variant allele, 1 heterozygote.
Comment: This study involves interpretation of variants in research participants for the purpose of population health screening. Participant phenotype was not available at the time of variant classification. Additional details can be found in publication PMID: 35346344, PMCID: PMC8962531